The following is an entry in ClinVar:

ClinVar aggregate classification (germline): Uncertain significance. Review status: criteria provided, single submitter (1 of 4 stars). 2 submissions from 2 submitters: Uncertain significance (1). 1 of the submissions does not count toward it. Last evaluated 2022-07-23.

Conditions:
Maple syrup urine disease (MSUD). Identifiers: Orphanet 511, MedGen C0024776, MeSH D008375, MONDO:0009563. Disease mechanism: loss of function.
BCKDHB-related disorder. Also called: BCKDHB-related condition.

Allele frequency attached by ClinVar (database versions not stated): ExAC 0.00002; gnomAD 0.00002; TOPMed 0.00004; ESP Exome Variant Server 0.00008.

Submissions (2):

Labcorp Genetics (formerly Invitae), Labcorp
Classification: Uncertain significance for Maple syrup urine disease. Last evaluated: 2022-07-23. Review status: criteria provided, single submitter. Criteria: Invitae Variant Classification Sherloc (09022015). Collection method: clinical testing. Allele origin: germline.
Comment: This sequence change replaces alanine, which is neutral and non-polar, with threonine, which is neutral and polar, at codon 202 of the BCKDHB protein (p.Ala202Thr). This variant is present in population databases (rs369388961, gnomAD 0.007%). This variant has not been reported in the literature in individuals affected with BCKDHB-related conditions. Algorithms developed to predict the effect of missense changes on protein structure and function are either unavailable or do not agree on the potential impact of this missense change (SIFT: "Tolerated"; PolyPhen-2: "Possibly Damaging"; Align-GVGD: "Class C0"). In summary, the available evidence is currently insufficient to determine the role of this variant in disease. Therefore, it has been classified as a Variant of Uncertain Significance.

PreventionGenetics, part of Exact Sciences
Classification: Uncertain significance for BCKDHB-related condition. Last evaluated: 2024-03-22. Review status: no assertion criteria provided. Collection method: clinical testing. Allele origin: germline. Not counted in ClinVar's aggregate classification.
Comment: The BCKDHB c.604G>A variant is predicted to result in the amino acid substitution p.Ala202Thr. This variant has been reported in the presumed compound heterozygous state with a pathogenic BCKDHB variant in a patient with maple syrup urine disease (MSUD) type 1b (Martín-Rivada. 2022. PubMed ID: 35281663). This variant is reported in 0.0062% of alleles in individuals of African descent in gnomAD. Of note, a different missense variant at the same amino acid position (p.Ala202Val) has also been reported in the presumed compound heterozygous state in an individual with MSUD (Margutti et al. 2020. PubMed ID: 33131499). Although we suspect that this variant may be pathogenic, the clinical significance of this variant is uncertain at this time due to the absence of conclusive functional and genetic evidence.

NM_183050.4(BCKDHB):c.604G>A (p.Ala202Thr)

Gene: BCKDHB (branched chain keto acid dehydrogenase E1 subunit beta; plus strand). Cytogenetic location: 6q14.1.
Variant type: single nucleotide variant.
Coding change: c.604G>A on transcript NM_183050.4 (MANE Select); coding-DNA position 604, G replaced by A.
Protein change: p.Ala202Thr; replaces alanine 202 with threonine.
Molecular consequence: missense variant. On other transcripts: non-coding transcript variant (1).
Genome position (GRCh38, 1-based): chr6:80,169,001, G>A. VCF-style: chr6-80169001-G-A. GRCh37 (hg19) VCF-style: chr6-80878718-G-A.
Other names: c.604G>A, p.Ala202Thr (NM_000056.5); c.394G>A, p.Ala132Thr (NM_001318975.1); c.604G>A (NM_183050.3); short protein forms A132T, A202T.
Identifiers: ClinVar variation 1979652 (VCV001979652.2), dbSNP rs369388961, ClinGen allele CA3902656.